The following is an entry in ClinVar:

NM_014382.3(ATP2C1):c.*1820A>G

Gene: ATP2C1 (ATPase secretory pathway Ca2+ transporting 1; plus strand). Cytogenetic location: 3q22.1.
Variant type: single nucleotide variant.
Coding change: c.*1820A>G on transcript NM_014382.3; 1820 bases downstream of the stop codon, A replaced by G.
Molecular consequence: intron variant (on NM_001378511.1).
Genome position (GRCh38, 1-based): chr3:131,003,170, A>G. VCF-style: chr3-131003170-A-G. GRCh37 (hg19) VCF-style: chr3-130722014-A-G.
Other names: c.2856+1826A>G (NM_001378511.1); c.2826+1856A>G (NM_001199180.2); c.2739+1826A>G (NM_001199182.2); c.2754+1826A>G (NM_001001486.2, NM_001378512.1); c.2724+1856A>G (NM_001001487.2, NM_001378513.1); c.2629+3511A>G (NM_001001485.3, NM_001199185.2); c.2706+1826A>G (NM_001378514.1); c.2676+1856A>G (NM_001199183.2).
Identifiers: ClinVar variation 343350 (VCV000343350.8), dbSNP rs72628536, ClinGen allele CA10617270.

ClinVar aggregate classification (germline): Benign. Review status: criteria provided, multiple submitters, no conflicts (2 of 4 stars). 2 submissions from 2 submitters: Benign (2). Last evaluated 2018-01-13.

Conditions:
Familial benign pemphigus (HHD). Identifiers: Orphanet 2841, MedGen C0085106, MONDO:0008218, OMIM 169600.

Allele frequency attached by ClinVar (database versions not stated): gnomAD 0.01112 and 0.01404; TOPMed 0.01730; gnomAD exomes 0.00142; 1000 Genomes Project 30x 0.04763; 1000 Genomes Project 0.05152.
gnomAD v4.1: 3,553 of 980,686 alleles (0.36%); highest among the groups gnomAD compares: East Asian, 21%; 259 homozygotes.

Submissions (2):

Illumina Laboratory Services, Illumina
Classification: Benign for Familial benign pemphigus. Last evaluated: 2018-01-13. Review status: criteria provided, single submitter. Criteria: ICSL Variant Classification Criteria 13 December 2019. Collection method: clinical testing. Allele origin: germline.
Comment: This variant was observed in the ICSL laboratory as part of a predisposition screen in an ostensibly healthy population. It had not been previously curated by ICSL or reported in the Human Gene Mutation Database (HGMD: prior to June 1st, 2018), and was therefore a candidate for classification through an automated scoring system. Utilizing variant allele frequency, disease prevalence and penetrance estimates, and inheritance mode, an automated score was calculated to assess if this variant is too frequent to cause the disease. Based on the score and internal cut-off values, a variant classified as benign is not then subjected to further curation. The score for this variant resulted in a classification of benign for this disease.

Breakthrough Genomics
Classification: Benign. Review status: criteria provided, single submitter. Criteria: ACMG Guidelines, 2015. Collection method: not provided. Allele origin: germline. Inheritance: Autosomal dominant inheritance. Affected: yes.